The following is an entry in ClinVar:

ClinVar aggregate classification (germline): Pathogenic. Review status: criteria provided, multiple submitters, no conflicts (2 of 4 stars). 8 submissions from 8 submitters: Pathogenic (5). 3 of the submissions do not count toward it. Last evaluated 2026-08-14.

Conditions:
CYP27A1-related disorder. Also called: CYP27A1-related condition.
Cholestanol storage disease (CTX). Also called: CEREBRAL CHOLESTERINOSIS; Cerebrotendinous Xanthomatosis; CTX: Cerebrotendinous xanthomatosis. Identifiers: Orphanet 909, MedGen C0238052, MONDO:0008948, OMIM 213700.

Allele frequency attached by ClinVar (database versions not stated): gnomAD exomes below 0.00001 and 0.00001; gnomAD 0.00001; TOPMed 0.00001.
gnomAD v4.1: 8 of 1,612,478 alleles (0.0005%); highest among the groups gnomAD compares: East Asian, 0.0022%; no homozygotes.

Submissions (8):

PreventionGenetics, part of Exact Sciences
Classification: Pathogenic for CYP27A1-related condition. Last evaluated: 2026-08-14. Review status: criteria provided, single submitter. Criteria: ACMG Guidelines, 2015. Collection method: clinical testing. Allele origin: germline.
Comment: The CYP27A1 c.446+1G>A variant is predicted to disrupt the GT donor site and interfere with normal splicing. This variant has been reported in homozygous or compound heterozygous state in individuals with cerebrotendinous xanthomatosis (Verrips et al. 2000. PubMed ID: 10775536; Dutta et al. 2015. PubMed ID: 26937392; Zübarioğlu et al. 2019. PubMed ID: 31384146). This variant is reported in 0.00089% of alleles in individuals of European (Non-Finnish) descent in gnomAD. Variants that disrupt the consensus splice donor site in CYP27A1 are expected to be pathogenic. This variant is interpreted as pathogenic.

Labcorp Genetics (formerly Invitae), Labcorp
Classification: Pathogenic for Cholestanol storage disease. Last evaluated: 2026-01-01. Review status: criteria provided, single submitter. Criteria: Invitae Variant Classification Sherloc (09022015). Collection method: clinical testing. Allele origin: germline.
Comment: This sequence change affects a donor splice site in intron 2 of the CYP27A1 gene. It is expected to disrupt RNA splicing. Variants that disrupt the donor or acceptor splice site typically lead to a loss of protein function (PMID: 16199547), and loss-of-function variants in CYP27A1 are known to be pathogenic (PMID: 9392430, 10775536, 26937392). This variant is present in population databases (rs587778797, gnomAD 0.0009%). Disruption of this splice site has been observed in individuals with cerebrotendinous xanthomatosis (PMID: 10775536, 26937392). ClinVar contains an entry for this variant (Variation ID: 65871). Algorithms developed to predict the effect of sequence changes on RNA splicing suggest that this variant may disrupt the consensus splice site. For these reasons, this variant has been classified as Pathogenic.

Women's Health and Genetics/Laboratory Corporation of America, LabCorp
Classification: Pathogenic for Cholestanol storage disease. Last evaluated: 2023-04-13. Review status: criteria provided, single submitter. Criteria: LabCorp Variant Classification Summary - May 2015. Collection method: clinical testing. Allele origin: germline.
Comment: Variant summary: CYP27A1 c.446+1G>A is located in a canonical splice-site and is predicted to affect mRNA splicing resulting in a significantly altered protein due to either exon skipping, shortening, or inclusion of intronic material. Several computational tools predict a significant impact on normal splicing: Four predict the variant abolishes a canonical 5' splicing donor site. However, these predictions have yet to be confirmed by functional studies. The variant allele was found at a frequency of 4e-06 in 249866 control chromosomes (gnomAD). c.446+1G>A has been reported in the literature as a biallelic genotype in individuals affected with Cerebrotendinous Xanthomatosis (e.g. Verrips_2000, Dutta_2015, Zabarioglu_2019). These data indicate that the variant is likely to be associated with disease. To our knowledge, no experimental evidence demonstrating an impact on protein function has been reported. Five ClinVar submitters have assessed the variant since 2014: all five classified the variant as pathogenic. Based on the evidence outlined above, the variant was classified as pathogenic.

Revvity Omics, Revvity
Classification: Pathogenic for Cholestanol storage disease. Last evaluated: 2022-10-06. Review status: criteria provided, single submitter. Criteria: ACMG Guidelines, 2015. Collection method: clinical testing. Allele origin: germline.

Eurofins Ntd Llc (ga)
Classification: Pathogenic. Last evaluated: 2018-05-10. Review status: criteria provided, single submitter. Criteria: EGL ClinVar v180209 classification definitions. Collection method: clinical testing. Allele origin: germline. Observed: 1 variant allele, 1 heterozygote.

Natera, Inc.
Classification: Pathogenic for Cerebrotendinous xanthomatosis. Last evaluated: 2020-11-24. Review status: no assertion criteria provided. Collection method: clinical testing. Allele origin: germline. Not counted in ClinVar's aggregate classification.

Counsyl
Classification: Pathogenic for Cholestanol storage disease. Last evaluated: 2018-03-15. Review status: no assertion criteria provided. Collection method: clinical testing. Allele origin: unknown. Not counted in ClinVar's aggregate classification.

GeneReviews
Classification: Pathogenic for Cerebrotendinous Xanthomatosis. Last evaluated: 2013-08-01. Review status: no assertion criteria provided. Collection method: curation. Allele origin: unknown. Not counted in ClinVar's aggregate classification.
ClinVar note: Converted during submission from pathologic to Pathogenic.

Literature cited by the submitters: PubMed 16199547 (cited by Labcorp Genetics (formerly Invitae), Labcorp); PubMed 9392430 (cited by Labcorp Genetics (formerly Invitae), Labcorp); PubMed 10775536 (cited by 3 submitters); PubMed 26937392 (cited by 3 submitters); PubMed 31384146 (cited by Women's Health and Genetics/Laboratory Corporation of America, LabCorp); PubMed 25525159 (cited by Counsyl).

NM_000784.4(CYP27A1):c.446+1G>A

Gene: CYP27A1 (cytochrome P450 family 27 subfamily A member 1; plus strand). Cytogenetic location: 2q35.
Variant type: single nucleotide variant.
Coding change: c.446+1G>A on transcript NM_000784.4 (MANE Select); the canonical splice donor site of the intron after coding-DNA position 446, G replaced by A.
Molecular consequence: splice donor variant.
Genome position (GRCh38, 1-based): chr2:218,809,768, G>A. VCF-style: chr2-218809768-G-A. GRCh37 (hg19) VCF-style: chr2-219674491-G-A.
Other names: c.446+1G>A.
Identifiers: ClinVar variation 65871 (VCV000065871.25), dbSNP rs587778797, ClinGen allele CA345205.
Genomic context (GRCh38, chr2:218,809,768, plus strand): 5'-CATGGAGCTATGGAAGGAGCACCGGGACCAGCACGACCTGACCTATGGGCCGTTCACCAC[G>A]TGAGCTGGGGCCTGAAGGGACTGGAACAGGGCCCCAGAGGGCCAGGGCGAAAGACAGTGG-3'